The following is an entry in ClinVar:

NM_005055.5(RAPSN):c.733C>T (p.Gln245Ter)

Gene: RAPSN (receptor associated protein of the synapse; minus strand). Cytogenetic location: 11p11.2.
Variant type: single nucleotide variant.
Coding change: c.733C>T on transcript NM_005055.5 (MANE Select); coding-DNA position 733, C replaced by T.
Protein change: p.Gln245Ter; replaces glutamine 245 with a stop codon.
Molecular consequence: nonsense.
Genome position (GRCh38, 1-based): chr11:47,441,879, G>A on the plus strand (C>T on the coding strand, the complement: RAPSN is on the minus strand). VCF-style: chr11-47441879-G-A. GRCh37 (hg19) VCF-style: chr11-47463431-G-A.
Other names: c.733C>T, p.Gln245Ter (NM_032645.5); short protein forms Q245*.
Identifiers: ClinVar variation 2949109 (VCV002949109.4), dbSNP rs2496102548, ClinGen allele CA380330266.
Genomic context (GRCh38, chr11:47,441,879, plus strand): 5'-TCACCTCCAGGTCCCCACGGCTCCGGTGGATGTCAGCGAAGCAGAGCAGGCAGAGCGCCT[G>A]CAGTGGCCGGTCCCCGTGCTGCAGCGCGATCTTCATAGACTCCTGCGAGGGAGGCCAGTG-3'

ClinVar aggregate classification (germline): Pathogenic/Likely pathogenic. Review status: criteria provided, multiple submitters, no conflicts (2 of 4 stars). 2 submissions from 2 submitters: Pathogenic (1); Likely pathogenic (1). Last evaluated 2024-03-17.

Conditions:
Fetal akinesia deformation sequence 2. Identifiers: MedGen C4760576, MONDO:0100102, OMIM 618388.
Congenital myasthenic syndrome 11. Also called: MYASTHENIC SYNDROME, CONGENITAL, Ie; Myasthenic syndrome, congenital, 11, associated with acetylcholine receptor deficiency. Identifiers: Orphanet 590, MedGen C4225367, MONDO:0014588, OMIM 616326.
Fetal akinesia deformation sequence 1 (FADS1). Also called: Pena-Shokeir syndrome type I; Fetal akinesia sequence. Identifiers: Orphanet 994, MedGen C1276035, MONDO:0100101, OMIM 208150, HP:0001989.

Submissions (2):

Baylor Genetics
Classification: Likely pathogenic for Fetal akinesia deformation sequence 2. Last evaluated: 2024-03-17. Review status: criteria provided, single submitter. Criteria: ACMG Guidelines, 2015. Collection method: clinical testing. Allele origin: unknown.

Labcorp Genetics (formerly Invitae), Labcorp
Classification: Pathogenic for Congenital myasthenic syndrome 11; Fetal akinesia deformation sequence 1. Last evaluated: 2023-06-23. Review status: criteria provided, single submitter. Criteria: Invitae Variant Classification Sherloc (09022015). Collection method: clinical testing. Allele origin: germline.
Comment: This sequence change creates a premature translational stop signal (p.Gln245*) in the RAPSN gene. It is expected to result in an absent or disrupted protein product. Loss-of-function variants in RAPSN are known to be pathogenic (PMID: 17686188). This variant is not present in population databases (gnomAD no frequency). This variant has not been reported in the literature in individuals affected with RAPSN-related conditions. For these reasons, this variant has been classified as Pathogenic.

Literature cited by the submitters: PubMed 17686188 (cited by Labcorp Genetics (formerly Invitae), Labcorp).